The following is an entry in ClinVar:

ClinVar aggregate classification (germline): Uncertain significance (1 of 4 stars; one submission).

gnomAD v4.1: 14 of 1,614,146 alleles (0.00087%); highest among the groups gnomAD compares: South Asian, 0.0055%; no homozygotes.

Submission:

Labcorp Genetics (formerly Invitae), Labcorp
Classification: Uncertain significance. Last evaluated: 2025-05-25. Review status: criteria provided, single submitter. Criteria: Invitae Variant Classification Sherloc (09022015). Collection method: clinical testing. Allele origin: germline.
Comment: This sequence change replaces alanine, which is neutral and non-polar, with threonine, which is neutral and polar, at codon 905 of the CDK5RAP2 protein (p.Ala905Thr). This variant is present in population databases (rs543434338, gnomAD 0.003%). This variant has not been reported in the literature in individuals affected with CDK5RAP2-related conditions. An algorithm developed to predict the effect of missense changes on protein structure and function outputs the following: PolyPhen-2: "Possibly Damaging". The threonine amino acid residue is found in multiple mammalian species, which suggests that this missense change does not adversely affect protein function. In summary, the available evidence is currently insufficient to determine the role of this variant in disease. Therefore, it has been classified as a Variant of Uncertain Significance.

NM_018249.6(CDK5RAP2):c.2713G>A (p.Ala905Thr)

Gene: CDK5RAP2 (CDK5 regulatory subunit associated protein 2; minus strand). Cytogenetic location: 9q33.2.
Variant type: single nucleotide variant.
Coding change: c.2713G>A on transcript NM_018249.6 (MANE Select); coding-DNA position 2713, G replaced by A.
Protein change: p.Ala905Thr; replaces alanine 905 with threonine.
Molecular consequence: missense variant. On other transcripts: non-coding transcript variant (5), intron variant (1).
Genome position (GRCh38, 1-based): chr9:120,453,536, C>T on the plus strand (G>A on the coding strand, the complement: CDK5RAP2 is on the minus strand). VCF-style: chr9-120453536-C-T. GRCh37 (hg19) VCF-style: chr9-123215814-C-T.
Other names: c.2713G>A, p.Ala905Thr (NM_001011649.3); c.2614G>A, p.Ala872Thr (NM_001410992.1); c.2617G>A, p.Ala873Thr (NM_001410993.1); c.2710G>A, p.Ala904Thr (NM_001410994.1); c.2104-5410G>A (NM_001272039.2); short protein forms A904T, A905T, A872T, A873T.
Identifiers: ClinVar variation 4700466 (VCV004700466.1).